The following is an entry in ClinVar:

ClinVar aggregate classification (germline): Likely benign. Review status: criteria provided, single submitter (1 of 4 stars). 2 submissions from 2 submitters: Likely benign (1). 1 of the submissions does not count toward it. Last evaluated 2024-08-07.

Conditions:
AGL-related disorder. Also called: AGL-related condition.
Glycogen storage disease type III (GSD3). Also called: FORBES DISEASE; Cori disease. Identifiers: Orphanet 366, MedGen C0017922, MONDO:0009291, OMIM 232400.

Allele frequency attached by ClinVar (database versions not stated): gnomAD 0.00001; gnomAD exomes 0.00001; TOPMed 0.00001; ExAC 0.00002.
gnomAD v4.1: 15 of 1,612,452 alleles (0.00093%); highest among the groups gnomAD compares: African/African-American, 0.0027%; no homozygotes.

Submissions (2):

Labcorp Genetics (formerly Invitae), Labcorp
Classification: Likely benign for Glycogen storage disease type III. Last evaluated: 2024-08-07. Review status: criteria provided, single submitter. Criteria: Invitae Variant Classification Sherloc (09022015). Collection method: clinical testing. Allele origin: germline.

PreventionGenetics, part of Exact Sciences
Classification: Likely benign for AGL-related condition. Last evaluated: 2023-01-04. Review status: no assertion criteria provided. Collection method: clinical testing. Allele origin: germline. Not counted in ClinVar's aggregate classification.
Comment: This variant is classified as likely benign based on ACMG/AMP sequence variant interpretation guidelines (Richards et al. 2015 PMID: 25741868, with internal and published modifications).

NM_000642.3(AGL):c.1618T>C (p.Leu540=)

Gene: AGL (amylo-alpha-1,6-glucosidase and 4-alpha-glucanotransferase; plus strand). Cytogenetic location: 1p21.2.
Variant type: single nucleotide variant.
Coding change: c.1618T>C on transcript NM_000642.3 (MANE Select); coding-DNA position 1618, T replaced by C.
Protein change: p.Leu540=; no amino-acid change (leucine 540 retained).
Molecular consequence: synonymous variant.
Genome position (GRCh38, 1-based): chr1:99,879,929, T>C. VCF-style: chr1-99879929-T-C. GRCh37 (hg19) VCF-style: chr1-100345485-T-C.
Other names: c.1618T>C, p.Leu540= (NM_000028.3, NM_000643.3, NM_000644.3 and 2 more transcripts); c.1570T>C, p.Leu524= (NM_000646.3); c.1417T>C, p.Leu473= (NM_001425327.1); c.1414T>C, p.Leu472= (NM_001425328.1, NM_001425329.1); c.1240T>C, p.Leu414= (NM_001425332.1).
Identifiers: ClinVar variation 456457 (VCV000456457.14), dbSNP rs751245907, ClinGen allele CA966553.